The following is an entry in ClinVar:

ClinVar aggregate classification (germline): Uncertain significance (1 of 4 stars; one submission).

Conditions:
Hereditary sensory and autonomic neuropathy type 7. Also called: HSAN VII; Neuropathy, hereditary sensory and autonomic, type VII. Identifiers: Orphanet 391397, MedGen C3809882, MONDO:0014244, OMIM 615548.
Familial episodic pain syndrome with predominantly lower limb involvement. Also called: Episodic pain syndrome, familial, 3. Identifiers: Orphanet 391384, Orphanet 391392, MedGen C3809899, MONDO:0014247, OMIM 615552.

Submission:

Labcorp Genetics (formerly Invitae), Labcorp
Classification: Uncertain significance for Familial episodic pain syndrome with predominantly lower limb involvement; Hereditary sensory and autonomic neuropathy type 7. Last evaluated: 2023-06-04. Review status: criteria provided, single submitter. Criteria: Invitae Variant Classification Sherloc (09022015). Collection method: clinical testing. Allele origin: germline.
Comment: In summary, the available evidence is currently insufficient to determine the role of this variant in disease. Therefore, it has been classified as a Variant of Uncertain Significance. This variant has not been reported in the literature in individuals affected with SCN11A-related conditions. This variant is present in population databases (rs746004883, gnomAD 0.0009%). This sequence change creates a premature translational stop signal (p.Leu1339*) in the SCN11A gene. It is expected to result in an absent or disrupted protein product. However, the current clinical and genetic evidence is not sufficient to establish whether loss-of-function variants in SCN11A cause disease.

NM_001349253.2(SCN11A):c.4016del (p.Lys1338_Leu1339insTer)

Gene: SCN11A (sodium voltage-gated channel alpha subunit 11; minus strand). Cytogenetic location: 3p22.2.
Variant type: Deletion.
Coding change: c.4016del on transcript NM_001349253.2 (MANE Select); coding-DNA position 4016, one base deleted (T; older notation c.4016delT).
Protein change: p.Lys1338_Leu1339insTer.
Molecular consequence: nonsense.
Genome position (GRCh38, 1-based): chr3:38,863,235, A deleted on the plus strand (T on the coding strand, the reverse complement: SCN11A is on the minus strand); the first of 2 consecutive A bases (chr3:38,863,235-38,863,236); deleting either gives the same sequence. VCF-style (leftmost placement, unchanged base first): chr3-38863234-TA-T. GRCh37 (hg19) VCF-style: chr3-38904725-TA-T.
Other names: c.4016del, p.Lys1338_Leu1339insTer (NM_014139.3).
Identifiers: ClinVar variation 2930927 (VCV002930927.3), dbSNP rs746004883, ClinGen allele CA2321629.
Genomic context (GRCh38, chr3:38,863,234, plus strand): 5'-CAGTCATTCAATTGCTCTCACCAGAGGCCGTGGAATGGGTTTTTGAGGTTTTTTGGATCC[TA>T]ATTTTTTCATTGCATTATAGTATTTCTTCTGTTCTTCTGTCATAAAAATGTCTTGGCCAC-3'